The following is an entry in ClinVar:

ClinVar aggregate classification (germline): Benign/Likely benign. Review status: criteria provided, multiple submitters, no conflicts (2 of 4 stars). 4 submissions from 4 submitters: Benign (2); Likely benign (2). Last evaluated 2023-02-01.

Allele frequency attached by ClinVar (database versions not stated): ExAC 0.00021; gnomAD exomes 0.00024; TOPMed 0.00024; ESP Exome Variant Server 0.00028; gnomAD 0.00032.
gnomAD v4.1: 389 of 1,207,697 alleles (0.032%); highest among the groups gnomAD compares: Non-Finnish European, 0.042%; no homozygotes.

Submissions (4):

CeGaT Center for Human Genetics Tuebingen
Classification: Likely benign. Last evaluated: 2023-02-01. Review status: criteria provided, single submitter. Criteria: CeGaT Center For Human Genetics Tuebingen Variant Classification Criteria Version 2. Collection method: clinical testing. Allele origin: germline. Affected: yes. Observed: 1 variant allele.
Comment: PTCHD1: BP4, BP7, BS2

GeneDx
Classification: Benign. Last evaluated: 2019-07-01. Review status: criteria provided, single submitter. Criteria: GeneDx Variant Classification Process June 2021. Collection method: clinical testing. Allele origin: germline. Affected: yes.

Labcorp Genetics (formerly Invitae), Labcorp
Classification: Benign. Last evaluated: 2018-08-13. Review status: criteria provided, single submitter. Criteria: Invitae Variant Classification Sherloc (09022015). Collection method: clinical testing. Allele origin: germline.

Genetic Services Laboratory, University of Chicago
Classification: Likely benign. Last evaluated: 2016-07-26. Review status: criteria provided, single submitter. Criteria: ACMG Guidelines, 2015. Collection method: clinical testing. Allele origin: germline. Affected: no.

NM_173495.3(PTCHD1):c.336C>T (p.Thr112=)

Gene: PTCHD1 (patched domain containing 1; plus strand). Cytogenetic location: Xp22.11.
Variant type: single nucleotide variant.
Coding change: c.336C>T on transcript NM_173495.3 (MANE Select); coding-DNA position 336, C replaced by T.
Protein change: p.Thr112=; no amino-acid change (threonine 112 retained).
Molecular consequence: synonymous variant.
Genome position (GRCh38, 1-based): chrX:23,335,211, C>T. VCF-style: chrX-23335211-C-T. GRCh37 (hg19) VCF-style: chrX-23353328-C-T.
Identifiers: ClinVar variation 211970 (VCV000211970.35), dbSNP rs369975097, ClinGen allele CA208976.
Genomic context (GRCh38, chrX:23,335,211, plus strand): 5'-CTACGGCCGGGTCATCGTCACCTCCTTCCAGAAAGCCAACATGCTGGACCAGCATCACAC[C>T]GACCTGATCTTAAAGGTGAGAGGGGACGGGTGCGGGCAGACTCCGCCAGCGCCGCGGCCG-3'
Protein context (NP_775766.2, residues 102-122): QKANMLDQHH[Thr112=]DLILKLHAAV